The following is an entry in ClinVar:

ClinVar aggregate classification (germline): Likely benign (1 of 4 stars; one submission).

Conditions:
Childhood apraxia of speech (SPCH1). Also called: DEVELOPMENTAL VERBAL DYSPRAXIA; Speech language disorder; FOXP2-Related Speech and Language Disorder; SPEECH AND LANGUAGE DISORDER WITH OROFACIAL DYSPRAXIA. Identifiers: Orphanet 209908, MedGen C0750927, MONDO:0011184, OMIM 602081.

Allele frequency attached by ClinVar (database versions not stated): gnomAD 0.00008 and 0.00009; TOPMed 0.00009; gnomAD exomes 0.00014 and 0.00022; ExAC 0.00033.
gnomAD v4.1: 54 of 454,344 alleles (0.012%); highest among the groups gnomAD compares: Non-Finnish European, 0.0022%; no homozygotes.

Submission:

Illumina Laboratory Services, Illumina
Classification: Likely benign for Childhood apraxia of speech. Last evaluated: 2018-01-13. Review status: criteria provided, single submitter. Criteria: ICSL Variant Classification Criteria 13 December 2019. Collection method: clinical testing. Allele origin: germline.
Comment: This variant was observed in the ICSL laboratory as part of a predisposition screen in an ostensibly healthy population. It had not been previously curated by ICSL or reported in the Human Gene Mutation Database (HGMD: prior to June 1st, 2018), and was therefore a candidate for classification through an automated scoring system. Utilizing variant allele frequency, disease prevalence and penetrance estimates, and inheritance mode, an automated score was calculated to assess if this variant is too frequent to cause the disease. Based on the score and internal cut-off values, a variant classified as likely benign is not then subjected to further curation. The score for this variant resulted in a classification of likely benign for this disease.

NM_014491.4(FOXP2):c.*832A>C

Gene: FOXP2 (forkhead box P2; plus strand). Cytogenetic location: 7q31.1.
Variant type: single nucleotide variant.
Coding change: c.*832A>C on transcript NM_014491.4 (MANE Select); 832 bases downstream of the stop codon, A replaced by C.
Molecular consequence: 3 prime UTR variant. On other transcripts: non-coding transcript variant (2).
Genome position (GRCh38, 1-based): chr7:114,690,758, A>C. VCF-style: chr7-114690758-A-C. GRCh37 (hg19) VCF-style: chr7-114330813-A-C.
Other names: c.*832A>C (NM_001172766.3, NM_148898.4, NM_148900.4).
Identifiers: ClinVar variation 358633 (VCV000358633.5), dbSNP rs769641895, ClinGen allele CA4446388.
Genomic context (GRCh38, chr7:114,690,758, plus strand): 5'-GTGATAAAGCTTTGTCTACCTGCAAACACAGTCAAAGGCTACAGCTGCAAACCAAAGCCA[A>C]CTCTAACCATGGCCAAGAGCTCAAGGACAGAAGCAGCCACATGCTTTGGTCAGCCTTCTG-3'